The following is an entry in ClinVar:

ClinVar aggregate classification (germline): Uncertain significance. Review status: criteria provided, multiple submitters, no conflicts (2 of 4 stars). 2 submissions from 2 submitters: Uncertain significance (2). Last evaluated 2023-01-08.

Conditions:
Inborn genetic diseases. Identifiers: MedGen C0950123, MeSH D030342.

Allele frequency attached by ClinVar (database versions not stated): gnomAD 0.00001; gnomAD exomes 0.00001; TOPMed 0.00004; ExAC 0.00006.
gnomAD v4.1: 22 of 1,613,324 alleles (0.0014%); highest among the groups gnomAD compares: East Asian, 0.047%; no homozygotes.

Submissions (2):

GeneDx
Classification: Uncertain significance. Last evaluated: 2023-01-08. Review status: criteria provided, single submitter. Criteria: GeneDx Variant Classification Process June 2021. Collection method: clinical testing. Allele origin: germline. Affected: yes.
Comment: In silico analysis supports that this missense variant has a deleterious effect on protein structure/function; Has not been previously published as pathogenic or benign to our knowledge

Ambry Genetics
Classification: Uncertain significance for Inborn genetic diseases. Last evaluated: 2022-01-12. Review status: criteria provided, single submitter. Criteria: Ambry Variant Classification Scheme 2023. Collection method: clinical testing. Allele origin: germline.

NM_020812.4(DOCK6):c.5378G>C (p.Arg1793Thr)

Gene: DOCK6 (dedicator of cytokinesis 6; minus strand). Cytogenetic location: 19p13.2.
Variant type: single nucleotide variant.
Coding change: c.5378G>C on transcript NM_020812.4 (MANE Select); coding-DNA position 5378, G replaced by C.
Protein change: p.Arg1793Thr; replaces arginine 1793 with threonine.
Molecular consequence: missense variant.
Genome position (GRCh38, 1-based): chr19:11,202,467, C>G on the plus strand (G>C on the coding strand, the complement: DOCK6 is on the minus strand). VCF-style: chr19-11202467-C-G. GRCh37 (hg19) VCF-style: chr19-11313143-C-G.
Other names: c.5483G>C, p.Arg1828Thr (NM_001367830.1); c.5378G>C (NM_020812.3); short protein forms R1828T, R1793T.
Identifiers: ClinVar variation 2389764 (VCV002389764.3), dbSNP rs751843684, ClinGen allele CA9206487.
Genomic context (GRCh38, chr19:11,202,467, plus strand): 5'-AGCTTGGACTTGTCCACAGGGTTAGAGTCTTTGATAATCTCAACGACGTCGTCGCCAAAT[C>G]TCTCCGTGTAGAACTCCTGGAGACACAGGGCTGACTCGGGGCCACCCAGGGACAGCCCCT-3'
Protein context (NP_065863.2, residues 1783-1803): SHRLEEFYTE[Arg1793Thr]FGDDVVEIIK